The following is an entry in ClinVar:

NM_000059.4(BRCA2):c.7294dup (p.Arg2432fs)

Gene: BRCA2 (BRCA2 DNA repair associated; plus strand). Cytogenetic location: 13q13.1.
Variant type: Duplication.
Coding change: c.7294dup on transcript NM_000059.4 (MANE Select); coding-DNA position 7294, one base duplicated (A; older notation c.7294dupA).
Protein change: p.Arg2432fs; shifts the reading frame from arginine 2432.
Molecular consequence: frameshift variant.
Genome position (GRCh38, 1-based): chr13:32,355,147, A duplicated. VCF-style (leftmost placement, unchanged base first): chr13-32355146-C-CA. GRCh37 (hg19) VCF-style: chr13-32929283-C-CA.
Other names: c.7198dup, p.Arg2400Lysfs (NM_001406719.1); c.7294dup, p.Arg2432Lysfs (NM_001406720.1); c.2362dup, p.Arg788Lysfs (NM_001406721.1); c.877dup, p.Arg293Lysfs (NM_001406722.1); short protein forms R2432fs.
Identifiers: ClinVar variation 2118650 (VCV002118650.4), dbSNP rs2548540463, ClinGen allele CA2580087421.

ClinVar aggregate classification (germline): Pathogenic (1 of 4 stars; one submission).

Conditions:
Hereditary breast ovarian cancer syndrome. Also called: Hereditary breast and ovarian cancer syndrome (HBOC); Hereditary breast and/or ovarian cancer syndrome; Hereditary breast and ovarian cancer; BRCA1- and BRCA2-Associated Hereditary Breast and Ovarian Cancer; Breast and ovarian cancer; Hereditary breast and ovarian cancer syndrome. Identifiers: Orphanet 145, MedGen C0677776, MeSH D061325, MONDO:0003582. Disease mechanism: loss of function.

Submission:

Labcorp Genetics (formerly Invitae), Labcorp
Classification: Pathogenic for Hereditary breast ovarian cancer syndrome. Last evaluated: 2022-03-28. Review status: criteria provided, single submitter. Criteria: Invitae Variant Classification Sherloc (09022015). Collection method: clinical testing. Allele origin: germline.
Comment: This sequence change creates a premature translational stop signal (p.Arg2432Lysfs*7) in the BRCA2 gene. It is expected to result in an absent or disrupted protein product. Loss-of-function variants in BRCA2 are known to be pathogenic (PMID: 20104584). This variant is not present in population databases (gnomAD no frequency). For these reasons, this variant has been classified as Pathogenic. This variant has not been reported in the literature in individuals affected with BRCA2-related conditions.

Literature cited by the submitters: PubMed 20104584.